The following is an entry in ClinVar:

NM_001363.5(DKC1):c.969T>A (p.Tyr323Ter)

Gene: DKC1 (dyskerin pseudouridine synthase 1; plus strand). Cytogenetic location: Xq28.
Variant type: single nucleotide variant.
Coding change: c.969T>A on transcript NM_001363.5 (MANE Select); coding-DNA position 969, T replaced by A.
Protein change: p.Tyr323Ter; replaces tyrosine 323 with a stop codon.
Molecular consequence: nonsense. On other transcripts: non-coding transcript variant (3).
Genome position (GRCh38, 1-based): chrX:154,770,812, T>A. VCF-style: chrX-154770812-T-A. GRCh37 (hg19) VCF-style: chrX-153999087-T-A.
Other names: c.969T>A, p.Tyr323Ter (NM_001142463.3, NM_001288747.2); short protein forms Y323*.
Identifiers: ClinVar variation 4725422 (VCV004725422.1).
Genomic context (GRCh38, chrX:154,770,812, plus strand): 5'-TCTGCAGGTAAATGCCATCTGCTATGGGGCCAAGATTATGCTTCCAGGTGTTCTTCGATA[T>A]GAGGACGGCATTGAGGTCAATCAGGAGATTGTGGTTATCACCACCAAAGGAGAAGCAATC-3'

ClinVar aggregate classification (germline): Pathogenic (1 of 4 stars; one submission).

Conditions:
Dyskeratosis congenita. Identifiers: Orphanet 1775, MedGen C0265965, MONDO:0015780.

Submission:

Labcorp Genetics (formerly Invitae), Labcorp
Classification: Pathogenic for Dyskeratosis congenita. Last evaluated: 2025-08-14. Review status: criteria provided, single submitter. Criteria: Invitae Variant Classification Sherloc (09022015). Collection method: clinical testing. Allele origin: germline.
Comment: This sequence change creates a premature translational stop signal (p.Tyr323*) in the DKC1 gene. It is expected to result in an absent or disrupted protein product. Loss-of-function variants in DKC1 are known to be pathogenic (PMID: 11379875, 18627054, 35384376). This variant is not present in population databases (gnomAD no frequency). This variant has not been reported in the literature in individuals affected with DKC1-related conditions. For these reasons, this variant has been classified as Pathogenic.

Literature cited by the submitters: PubMed 11379875; PubMed 18627054; PubMed 35384376.